The following is an entry in ClinVar:

NM_000535.7(PMS2):c.1662C>A (p.Asn554Lys)

Gene: PMS2 (PMS1 homolog 2, mismatch repair system component; minus strand). Cytogenetic location: 7p22.1.
Variant type: single nucleotide variant.
Coding change: c.1662C>A on transcript NM_000535.7 (MANE Select); coding-DNA position 1662, C replaced by A.
Protein change: p.Asn554Lys; replaces asparagine 554 with lysine.
Molecular consequence: missense variant. On other transcripts: non-coding transcript variant (1).
Genome position (GRCh38, 1-based): chr7:5,987,103, G>T on the plus strand (C>A on the coding strand, the complement: PMS2 is on the minus strand). VCF-style: chr7-5987103-G-T. GRCh37 (hg19) VCF-style: chr7-6026734-G-T.
Other names: c.1257C>A, p.Asn419Lys (NM_001018040.1, NM_001322003.2, NM_001322004.2 and 17 more transcripts); c.1506C>A, p.Asn502Lys (NM_001322006.2, NM_001406870.1); c.1344C>A, p.Asn448Lys (NM_001322007.2, NM_001322008.2, NM_001406883.1 and 2 more transcripts); c.1101C>A, p.Asn367Lys (NM_001322010.2, NM_001406906.1, NM_001406907.1); c.729C>A, p.Asn243Lys (NM_001322011.2, NM_001322012.2); c.1089C>A, p.Asn363Lys (NM_001322013.2, NM_001406909.1); c.1662C>A, p.Asn554Lys (NM_001322014.2, NM_001406871.1, NM_001406872.1); c.1353C>A, p.Asn451Lys (NM_001322015.2, NM_001406879.1, NM_001406880.1 and 5 more transcripts); and 12 more; short protein forms N297K, N419K, N442K, N451K, N518K, N554K, N243K, N363K.
Identifiers: ClinVar variation 2092883 (VCV002092883.4), dbSNP rs2128725792, ClinGen allele CA366741321.

ClinVar aggregate classification (germline): Uncertain significance (1 of 4 stars; one submission).

Conditions:
Hereditary nonpolyposis colorectal neoplasms. Identifiers: MedGen C0009405, MeSH D003123.

Submission:

Labcorp Genetics (formerly Invitae), Labcorp
Classification: Uncertain significance for Hereditary nonpolyposis colorectal neoplasms. Last evaluated: 2022-02-04. Review status: criteria provided, single submitter. Criteria: Invitae Variant Classification Sherloc (09022015). Collection method: clinical testing. Allele origin: germline.
Comment: This variant is not present in population databases (gnomAD no frequency). This variant has not been reported in the literature in individuals affected with PMS2-related conditions. Advanced modeling of protein sequence and biophysical properties (such as structural, functional, and spatial information, amino acid conservation, physicochemical variation, residue mobility, and thermodynamic stability) performed at Invitae indicates that this missense variant is not expected to disrupt PMS2 protein function. In summary, the available evidence is currently insufficient to determine the role of this variant in disease. Therefore, it has been classified as a Variant of Uncertain Significance. This sequence change replaces asparagine, which is neutral and polar, with lysine, which is basic and polar, at codon 554 of the PMS2 protein (p.Asn554Lys).